The following is an entry in ClinVar:

ClinVar aggregate classification (germline): Likely pathogenic (1 of 4 stars; one submission).

Conditions:
Neurodevelopmental disorder with nonspecific brain abnormalities and with or without seizures. Identifiers: MedGen C5231470, MONDO:0032877, OMIM 618709.

Submission:

3billion
Classification: Likely pathogenic for Neurodevelopmental disorder with nonspecific brain abnormalities and with or without seizures. Last evaluated: 2024-08-26. Review status: criteria provided, single submitter. Criteria: ACMG Guidelines, 2015. Collection method: clinical testing. Allele origin: germline. Affected: yes.
Comment: The variant is not observed in the gnomAD v4.0.0 dataset. Predicted Consequence/Location: Frameshift: predicted to result in a loss or disruption of normal protein function through nonsense-mediated decay (NMD) or protein truncation. Multiple pathogenic variants are reported downstream of the variant. Therefore, this variant is classified as Likely pathogenic according to the recommendation of ACMG/AMP guideline.

NM_005618.4(DLL1):c.120dup (p.Asn41fs)

Gene: DLL1 (delta like canonical Notch ligand 1; minus strand). Cytogenetic location: 6q27.
Variant type: Duplication.
Coding change: c.120dup on transcript NM_005618.4 (MANE Select); coding-DNA position 120, one base duplicated (G; older notation c.120dupG).
Protein change: p.Asn41fs; shifts the reading frame from asparagine 41.
Molecular consequence: frameshift variant.
Genome position (GRCh38, 1-based): chr6:170,289,743, C duplicated on the plus strand (G on the coding strand, the reverse complement: DLL1 is on the minus strand); the first of 4 consecutive C bases (chr6:170,289,743-170,289,746); duplicating any one gives the same sequence. VCF-style (leftmost placement, unchanged base first): chr6-170289742-T-TC. GRCh37 (hg19) VCF-style: chr6-170598830-T-TC.
Other names: short protein forms N41fs.
Identifiers: ClinVar variation 4293116 (VCV004293116.1).